The following is an entry in ClinVar:

NM_000540.3(RYR1):c.445A>G (p.Met149Val)

Gene: RYR1 (ryanodine receptor 1; plus strand). Cytogenetic location: 19q13.2.
Variant type: single nucleotide variant.
Coding change: c.445A>G on transcript NM_000540.3 (MANE Select); coding-DNA position 445, A replaced by G.
Protein change: p.Met149Val; replaces methionine 149 with valine.
Molecular consequence: missense variant.
Genome position (GRCh38, 1-based): chr19:38,444,169, A>G. VCF-style: chr19-38444169-A-G. GRCh37 (hg19) VCF-style: chr19-38934809-A-G.
Other names: c.445A>G, p.Met149Val (NM_001042723.2); short protein forms M149V.
Identifiers: ClinVar variation 4527896 (VCV004527896.2).

ClinVar aggregate classification (germline): Uncertain significance. Review status: criteria provided, multiple submitters, no conflicts (2 of 4 stars). 2 submissions from 2 submitters: Uncertain significance (2). Last evaluated 2025-10-05.

Conditions:
RYR1-related disorder. Also called: RYR1-related condition; RYR1-related disorders. Identifiers: MedGen CN239331.

Submissions (2):

Labcorp Genetics (formerly Invitae), Labcorp
Classification: Uncertain significance for RYR1-related disorder. Last evaluated: 2025-10-05. Review status: criteria provided, single submitter. Criteria: Invitae Variant Classification Sherloc (09022015). Collection method: clinical testing. Allele origin: germline.
Comment: This sequence change replaces methionine, which is neutral and non-polar, with valine, which is neutral and non-polar, at codon 149 of the RYR1 protein (p.Met149Val). This variant is not present in population databases (gnomAD no frequency). This variant has not been reported in the literature in individuals affected with RYR1-related conditions. Invitae Evidence Modeling of protein sequence and biophysical properties (such as structural, functional, and spatial information, amino acid conservation, physicochemical variation, residue mobility, and thermodynamic stability) indicates that this missense variant is not expected to disrupt RYR1 protein function with a negative predictive value of 95%. In summary, the available evidence is currently insufficient to determine the role of this variant in disease. Therefore, it has been classified as a Variant of Uncertain Significance.

GeneDx
Classification: Uncertain significance. Last evaluated: 2025-05-05. Review status: criteria provided, single submitter. Criteria: GeneDx Variant Classification Process June 2021. Collection method: clinical testing. Allele origin: germline. Affected: yes.
Comment: Not observed at significant frequency in large population cohorts (gnomAD); In silico analysis suggests that this missense variant does not alter protein structure/function; Has not been previously published as pathogenic or benign to our knowledge; This variant is associated with the following publications: (PMID: 33767344)